The following is an entry in ClinVar:

NM_020693.4(DSCAML1):c.4616C>T (p.Thr1539Met)

Gene: DSCAML1 (DS cell adhesion molecule like 1; minus strand). Cytogenetic location: 11q23.3.
Variant type: single nucleotide variant.
Coding change: c.4616C>T on transcript NM_020693.4 (MANE Select); coding-DNA position 4616, C replaced by T.
Protein change: p.Thr1539Met; replaces threonine 1539 with methionine.
Molecular consequence: missense variant.
Genome position (GRCh38, 1-based): chr11:117,437,226, G>A on the plus strand (C>T on the coding strand, the complement: DSCAML1 is on the minus strand). VCF-style: chr11-117437226-G-A. GRCh37 (hg19) VCF-style: chr11-117307942-G-A.
Other names: short protein forms T1539M.
Identifiers: ClinVar variation 2177928 (VCV002177928.4), dbSNP rs759898702, ClinGen allele CA6296327.

ClinVar aggregate classification (germline): Uncertain significance (1 of 4 stars; one submission).

Allele frequency attached by ClinVar (database versions not stated): ExAC 0.00004; gnomAD 0.00004; TOPMed 0.00004.
gnomAD v4.1: 68 of 1,614,078 alleles (0.0042%); highest among the groups gnomAD compares: Non-Finnish European, 0.0044%; no homozygotes.

Submission:

Labcorp Genetics (formerly Invitae), Labcorp
Classification: Uncertain significance. Last evaluated: 2023-11-19. Review status: criteria provided, single submitter. Criteria: Invitae Variant Classification Sherloc (09022015). Collection method: clinical testing. Allele origin: germline.
Comment: This sequence change replaces threonine, which is neutral and polar, with methionine, which is neutral and non-polar, at codon 1599 of the DSCAML1 protein (p.Thr1599Met). The frequency data for this variant in the population databases is considered unreliable, as metrics indicate poor data quality at this position in the gnomAD database. This variant has not been reported in the literature in individuals affected with DSCAML1-related conditions. ClinVar contains an entry for this variant (Variation ID: 2177928). An algorithm developed to predict the effect of missense changes on protein structure and function (PolyPhen-2) suggests that this variant is likely to be disruptive. In summary, the available evidence is currently insufficient to determine the role of this variant in disease. Therefore, it has been classified as a Variant of Uncertain Significance.